The following is an entry in ClinVar:

NM_017999.5(RNF31):c.165C>T (p.Arg55=)

Gene: RNF31 (ring finger protein 31; plus strand). Cytogenetic location: 14q12.
Variant type: single nucleotide variant.
Coding change: c.165C>T on transcript NM_017999.5 (MANE Select); coding-DNA position 165, C replaced by T.
Protein change: p.Arg55=; no amino-acid change (arginine 55 retained).
Molecular consequence: synonymous variant. On other transcripts: intron variant (1).
Genome position (GRCh38, 1-based): chr14:24,147,863, C>T. VCF-style: chr14-24147863-C-T. GRCh37 (hg19) VCF-style: chr14-24617072-C-T.
Other names: p.Arg55=; c.-325-113C>T (NM_001310332.2).
Identifiers: ClinVar variation 4683844 (VCV004683844.1).

ClinVar aggregate classification (germline): Likely benign (1 of 4 stars; one submission).

Submission:

Mayo Clinic Laboratories, Mayo Clinic
Classification: Likely benign. Last evaluated: 2025-08-12. Review status: criteria provided, single submitter. Criteria: ACMG Guidelines, 2015. Collection method: clinical testing. Allele origin: germline. Observed: 1 variant allele.
Comment: BP4, BP7, PM2_supporting